The following is an entry in ClinVar:

ClinVar aggregate classification (germline): Uncertain significance (1 of 4 stars; one submission).

Submission:

Labcorp Genetics (formerly Invitae), Labcorp
Classification: Uncertain significance. Last evaluated: 2022-07-30. Review status: criteria provided, single submitter. Criteria: Invitae Variant Classification Sherloc (09022015). Collection method: clinical testing. Allele origin: germline.
Comment: This sequence change replaces isoleucine, which is neutral and non-polar, with valine, which is neutral and non-polar, at codon 1855 of the CPLANE1 protein (p.Ile1855Val). This variant is not present in population databases (gnomAD no frequency). This variant has not been reported in the literature in individuals affected with CPLANE1-related conditions. Advanced modeling of protein sequence and biophysical properties (such as structural, functional, and spatial information, amino acid conservation, physicochemical variation, residue mobility, and thermodynamic stability) performed at Invitae indicates that this missense variant is not expected to disrupt CPLANE1 protein function. In summary, the available evidence is currently insufficient to determine the role of this variant in disease. Therefore, it has been classified as a Variant of Uncertain Significance.

NM_001384732.1(CPLANE1):c.5563A>G (p.Ile1855Val)

Gene: CPLANE1 (ciliogenesis and planar polarity effector complex subunit 1; minus strand). Cytogenetic location: 5p13.2.
Variant type: single nucleotide variant.
Coding change: c.5563A>G on transcript NM_001384732.1 (MANE Select); coding-DNA position 5563, A replaced by G.
Protein change: p.Ile1855Val; replaces isoleucine 1855 with valine.
Molecular consequence: missense variant.
Genome position (GRCh38, 1-based): chr5:37,180,864, T>C on the plus strand (A>G on the coding strand, the complement: CPLANE1 is on the minus strand). VCF-style: chr5-37180864-T-C. GRCh37 (hg19) VCF-style: chr5-37180966-T-C.
Other names: c.5563A>G, p.Ile1855Val (NM_023073.4); short protein forms I1855V.
Identifiers: ClinVar variation 2020567 (VCV002020567.1), dbSNP rs2547789264, ClinGen allele CA359490824.
Genomic context (GRCh38, chr5:37,180,864, plus strand): 5'-GCCATCAAACTACATGTCTTATATTGAAAAGAAGAGTATAATCGGCAACTTACTTCAAGA[T>C]ATTTTGACAAGATTTATTCTGACCATTTCTTTCCTCAGTTCCACCTGGAGTTGCTACTGC-3'
Protein context (NP_001371661.1, residues 1845-1865): RNGQNKSCQN[Ile1855Val]LNRMPTEAKN